The following is an entry in ClinVar:

NM_007294.4(BRCA1):c.893A>G (p.Asn298Ser)

Gene: BRCA1 (BRCA1 DNA repair associated; minus strand). Cytogenetic location: 17q21.31.
Variant type: single nucleotide variant.
Coding change: c.893A>G on transcript NM_007294.4 (MANE Select); coding-DNA position 893, A replaced by G.
Protein change: p.Asn298Ser; replaces asparagine 298 with serine.
Molecular consequence: missense variant. On other transcripts: intron variant (137).
Genome position (GRCh38, 1-based): chr17:43,094,638, T>C on the plus strand (A>G on the coding strand, the complement: BRCA1 is on the minus strand). VCF-style: chr17-43094638-T-C. GRCh37 (hg19) VCF-style: chr17-41246655-T-C.
Other names: c.692A>G, p.Asn231Ser (NM_001407862.1); c.770A>G, p.Asn257Ser (NM_001407863.1, NM_001407919.1, NM_001407937.1 and 19 more transcripts); c.689A>G, p.Asn230Ser (NM_001407874.1, NM_001407875.1); c.683A>G, p.Asn228Ser (NM_001407879.1, NM_001407881.1, NM_001407882.1 and 13 more transcripts); c.680A>G, p.Asn227Ser (NM_001407894.1, NM_001407895.1, NM_001407896.1 and 9 more transcripts); c.629A>G, p.Asn210Ser (NM_001407920.1, NM_001407921.1, NM_001407922.1 and 9 more transcripts); c.626A>G, p.Asn209Ser (NM_001407930.1, NM_001407931.1, NM_001407932.1 and 2 more transcripts); c.767A>G, p.Asn256Ser (NM_001407940.1, NM_001407941.1, NM_001407649.1 and 11 more transcripts); and 40 more; short protein forms N187S, N209S, N256S, N171S, N227S, N228S, N231S, N250S.
Identifiers: ClinVar variation 2880991 (VCV002880991.2), dbSNP rs749593365, ClinGen allele CA056884.

ClinVar aggregate classification (germline): Uncertain significance. Review status: criteria provided, multiple submitters, no conflicts (2 of 4 stars). 2 submissions from 2 submitters: Uncertain significance (2). Last evaluated 2025-08-15.

Conditions:
Hereditary breast ovarian cancer syndrome. Also called: BRCA1- and BRCA2-Associated Hereditary Breast and Ovarian Cancer; Hereditary breast and ovarian cancer syndrome; Breast and ovarian cancer; Hereditary breast and ovarian cancer; Hereditary breast and ovarian cancer syndrome (HBOC); Hereditary breast and/or ovarian cancer syndrome. Identifiers: Orphanet 145, MedGen C0677776, MeSH D061325, MONDO:0003582. Disease mechanism: loss of function.

Allele frequency attached by ClinVar (database versions not stated): gnomAD exomes below 0.00001; ExAC 0.00001.
gnomAD v4.1: 2 of 1,614,206 alleles (0.00012%); highest among the groups gnomAD compares: South Asian, 0.0022%; no homozygotes.

Submissions (2):

GeneDx
Classification: Uncertain significance. Last evaluated: 2025-08-15. Review status: criteria provided, single submitter. Criteria: GeneDx Variant Classification Process June 2021. Collection method: clinical testing. Allele origin: germline. Affected: yes.
Comment: Not observed at significant frequency in large population cohorts (gnomAD); In silico analysis supports that this missense variant has a deleterious effect on protein structure/function; Has not been previously published as pathogenic or benign to our knowledge; Also known as 1012A>G

Labcorp Genetics (formerly Invitae), Labcorp
Classification: Uncertain significance for Hereditary breast ovarian cancer syndrome. Last evaluated: 2024-01-07. Review status: criteria provided, single submitter. Criteria: Invitae Variant Classification Sherloc (09022015). Collection method: clinical testing. Allele origin: germline.
Comment: This sequence change replaces asparagine, which is neutral and polar, with serine, which is neutral and polar, at codon 298 of the BRCA1 protein (p.Asn298Ser). This variant is present in population databases (rs749593365, gnomAD 0.003%). This variant has not been reported in the literature in individuals affected with BRCA1-related conditions. Advanced modeling of protein sequence and biophysical properties (such as structural, functional, and spatial information, amino acid conservation, physicochemical variation, residue mobility, and thermodynamic stability) performed at Invitae indicates that this missense variant is not expected to disrupt BRCA1 protein function with a negative predictive value of 95%. In summary, the available evidence is currently insufficient to determine the role of this variant in disease. Therefore, it has been classified as a Variant of Uncertain Significance.